The following is an entry in ClinVar:

ClinVar aggregate classification (germline): Uncertain significance (1 of 4 stars; one submission).

Conditions:
Early-infantile DEE. Also called: Ohtahara syndrome; Early infantile epileptic encephalopathy with suppression bursts; Early infantile epileptic encephalopathy. Identifiers: Orphanet 1934, MedGen C0393706, MONDO:0800491.

Allele frequency attached by ClinVar (database versions not stated): gnomAD exomes below 0.00001.
gnomAD v4.1: 3 of 1,612,116 alleles (0.00019%); highest among the groups gnomAD compares: Non-Finnish European, 0.00017%; no homozygotes.

Submission:

Labcorp Genetics (formerly Invitae), Labcorp
Classification: Uncertain significance for Early-infantile DEE. Last evaluated: 2019-01-17. Review status: criteria provided, single submitter. Criteria: Invitae Variant Classification Sherloc (09022015). Collection method: clinical testing. Allele origin: germline.
Comment: This variant has not been reported in the literature in individuals with CACNA2D2-related conditions. In summary, the available evidence is currently insufficient to determine the role of this variant in disease. Therefore, it has been classified as a Variant of Uncertain Significance. Algorithms developed to predict the effect of missense changes on protein structure and function are either unavailable or do not agree on the potential impact of this missense change (SIFT: "Deleterious"; PolyPhen-2: "Benign"; Align-GVGD: "Class C0"). This variant is not present in population databases (ExAC no frequency). This sequence change replaces serine with threonine at codon 1056 of the CACNA2D2 protein (p.Ser1056Thr). The serine residue is moderately conserved and there is a small physicochemical difference between serine and threonine.

NM_006030.4(CACNA2D2):c.3167G>C (p.Ser1056Thr)

Genes: CACNA2D2 (calcium voltage-gated channel auxiliary subunit alpha2delta 2; minus strand), LOC127898564 (CYB561D2-LOC101928965; plus strand). Cytogenetic location: 3p21.31.
Variant type: single nucleotide variant.
Coding change: c.3167G>C on transcript NM_006030.4 (MANE Select); coding-DNA position 3167, G replaced by C.
Protein change: p.Ser1056Thr; replaces serine 1056 with threonine.
Molecular consequence: missense variant.
Genome position (GRCh38, 1-based): chr3:50,365,116, C>G on the plus strand (G>C on the coding strand, the complement: CACNA2D2 is on the minus strand). VCF-style: chr3-50365116-C-G. GRCh37 (hg19) VCF-style: chr3-50402547-C-G.
Other names: c.3167G>C, p.Ser1056Thr (NM_001005505.3); c.3188G>C, p.Ser1063Thr (NM_001174051.3); c.2960G>C, p.Ser987Thr (NM_001291101.1); short protein forms S1063T, S987T, S1056T.
Identifiers: ClinVar variation 851411 (VCV000851411.8), dbSNP rs1004241925, ClinGen allele CA352900672.